The following is an entry in ClinVar:

NM_004364.5(CEBPA):c.543C>G (p.Tyr181Ter)

Gene: CEBPA (CCAAT enhancer binding protein alpha; minus strand). Cytogenetic location: 19q13.11.
Variant type: single nucleotide variant.
Coding change: c.543C>G on transcript NM_004364.5 (MANE Select); coding-DNA position 543, C replaced by G.
Protein change: p.Tyr181Ter; replaces tyrosine 181 with a stop codon.
Molecular consequence: nonsense.
Genome position (GRCh38, 1-based): chr19:33,301,872, G>C on the plus strand (C>G on the coding strand, the complement: CEBPA is on the minus strand). VCF-style: chr19-33301872-G-C. GRCh37 (hg19) VCF-style: chr19-33792778-G-C.
Other names: c.186C>G, p.Tyr62Ter (NM_001285829.2); c.648C>G, p.Tyr216Ter (NM_001287424.2); c.501C>G, p.Tyr167Ter (NM_001287435.2); short protein forms Y167*, Y181*, Y216*, Y62*.
Identifiers: ClinVar variation 2831827 (VCV002831827.3), dbSNP rs1967180749, ClinGen allele CA405274727.

ClinVar aggregate classification (germline): Uncertain significance (1 of 4 stars; one submission).

Conditions:
Acute myeloid leukemia (AML). Also called: Acute myeloid leukemia, adult; AML adult; Acute non-lymphocytic leukemia; Acute granulocytic leukemia; Leukemia, acute myeloid, somatic; Leukemia, acute myelogenous, somatic. Identifiers: Orphanet 519, MedGen C0023467, MeSH D015470, MONDO:0018874, OMIM 601626, HP:0004808. Disease mechanism: Constitutively activated FLT3.

Submission:

Labcorp Genetics (formerly Invitae), Labcorp
Classification: Uncertain significance for Acute myeloid leukemia. Last evaluated: 2023-01-25. Review status: criteria provided, single submitter. Criteria: Invitae Variant Classification Sherloc (09022015). Collection method: clinical testing. Allele origin: germline.
Comment: This sequence change creates a premature translational stop signal (p.Tyr181*) in the CEBPA gene. While this is not anticipated to result in nonsense mediated decay, it is expected to disrupt the last 178 amino acid(s) of the CEBPA protein. This variant is not present in population databases (gnomAD no frequency). This variant has not been reported in the literature in individuals affected with CEBPA-related conditions. Experimental studies and prediction algorithms are not available or were not evaluated, and the functional significance of this variant is currently unknown. In summary, the available evidence is currently insufficient to determine the role of this variant in disease. Therefore, it has been classified as a Variant of Uncertain Significance.